The following is an entry in ClinVar:

NM_003640.5(ELP1):c.836del (p.Thr279fs)

Gene: ELP1 (elongator acetyltransferase complex subunit 1; minus strand). Cytogenetic location: 9q31.3.
Variant type: Deletion.
Coding change: c.836del on transcript NM_003640.5 (MANE Select); coding-DNA position 836, one base deleted (C; older notation c.836delC).
Protein change: p.Thr279fs; shifts the reading frame from threonine 279.
Molecular consequence: frameshift variant. On other transcripts: 5 prime UTR variant (1).
Genome position (GRCh38, 1-based): chr9:108,917,575, G deleted on the plus strand (C on the coding strand, the reverse complement: ELP1 is on the minus strand). VCF-style (leftmost placement, unchanged base first): chr9-108917574-TG-T. GRCh37 (hg19) VCF-style: chr9-111679854-TG-T.
Other names: c.494del, p.Thr165fs (NM_001318360.2); c.-212del (NM_001330749.2); short protein forms T165fs, T279fs.
Identifiers: ClinVar variation 1799835 (VCV001799835.2), dbSNP rs2537939654, ClinGen allele CA2580079511.

ClinVar aggregate classification (germline): Pathogenic (1 of 4 stars; one submission).

Submission:

Ambry Genetics
Classification: Pathogenic. Last evaluated: 2021-05-11. Review status: criteria provided, single submitter. Criteria: Ambry Variant Classification Scheme 2023. Collection method: clinical testing. Allele origin: germline.
Comment: The c.836delC pathogenic mutation, located in coding exon 8 of the IKBKAP gene, results from a deletion of one nucleotide at nucleotide position 836, causing a translational frameshift with a predicted alternate stop codon (p.T279Nfs*11). This variant is considered to be rare based on population cohorts in the Genome Aggregation Database (gnomAD). This alteration is expected to result in loss of function by premature protein truncation or nonsense-mediated mRNA decay. As such, this alteration is interpreted as a disease-causing mutation.